The following is an entry in ClinVar:

ClinVar aggregate classification (germline): Uncertain significance. Review status: criteria provided, single submitter (1 of 4 stars). 2 submissions from 2 submitters: Uncertain significance (1). 1 of the submissions does not count toward it. Last evaluated 2024-06-07.

Conditions:
MAGEL2-related disorder. Also called: MAGEL2-related condition.

Submissions (2):

Labcorp Genetics (formerly Invitae), Labcorp
Classification: Uncertain significance. Last evaluated: 2024-06-07. Review status: criteria provided, single submitter. Criteria: Invitae Variant Classification Sherloc (09022015). Collection method: clinical testing. Allele origin: germline.
Comment: This sequence change replaces histidine, which is basic and polar, with tyrosine, which is neutral and polar, at codon 191 of the MAGEL2 protein (p.His191Tyr). Information on the frequency of this variant in the gnomAD database is not available, as this variant may be reported differently in the database. This variant has not been reported in the literature in individuals affected with MAGEL2-related conditions. Experimental studies and prediction algorithms are not available or were not evaluated, and the functional significance of this variant is currently unknown. In summary, the available evidence is currently insufficient to determine the role of this variant in disease. Therefore, it has been classified as a Variant of Uncertain Significance.

PreventionGenetics, part of Exact Sciences
Classification: Uncertain significance for MAGEL2-related condition. Last evaluated: 2024-03-30. Review status: no assertion criteria provided. Collection method: clinical testing. Allele origin: germline. Not counted in ClinVar's aggregate classification.
Comment: The MAGEL2 c.570_571delinsCT variant is predicted to result in an in-frame deletion and insertion. To our knowledge, this variant has not been reported in the literature or in a large population database, indicating this variant is rare. At this time, the clinical significance of this variant is uncertain due to the absence of conclusive functional and genetic evidence.

NM_019066.5(MAGEL2):c.570_571delinsCT (p.His191Tyr)

Gene: MAGEL2 (MAGE family member L2; minus strand). Cytogenetic location: 15q11.2.
Variant type: Indel.
Coding change: c.570_571delinsCT on transcript NM_019066.5 (MANE Select); coding-DNA positions 570 to 571, TC replaced by CT.
Protein change: p.His191Tyr; replaces histidine 191 with tyrosine.
Molecular consequence: missense variant.
Genome position (GRCh38, 1-based): chr15:23,647,172-23,647,173, GA replaced by AG on the plus strand (TC replaced by CT on the coding strand, the reverse complement: MAGEL2 is on the minus strand). VCF-style: chr15-23647172-GA-AG. GRCh37 (hg19) VCF-style: chr15-23892319-GA-AG.
Other names: c.570_571delinsCT (NM_019066.4); short protein forms H191Y.
Identifiers: ClinVar variation 2968396 (VCV002968396.4), dbSNP rs2503984030, ClinGen allele CA2740097228.